The following is an entry in ClinVar:

ClinVar aggregate classification (germline): Uncertain significance. Review status: criteria provided, multiple submitters, no conflicts (2 of 4 stars). 2 submissions from 2 submitters: Uncertain significance (2). Last evaluated 2026-01-15.

Conditions:
Neuronal ceroid lipofuscinosis 11. Also called: GRN-Related Neuronal Ceroid-Lipofuscinosis. Identifiers: Orphanet 314629, Orphanet 79262, MedGen C3539123, MONDO:0013866, OMIM 614706.
GRN-related frontotemporal lobar degeneration with Tdp43 inclusions (FTD2). Also called: DEMENTIA, HEREDITARY DYSPHASIC DISINHIBITION; FRONTOTEMPORAL LOBAR DEGENERATION WITH UBIQUITIN-POSITIVE INCLUSIONS; FTLD-TDP, GRN-RELATED; GRN Frontotemporal Dementia; FRONTOTEMPORAL DEMENTIA WITH TDP43 INCLUSIONS, GRN-RELATED. Identifiers: Orphanet 100070, Orphanet 282, MedGen C1843792, MONDO:0011842, OMIM 607485. Disease mechanism: loss of function.
Inborn genetic diseases. Identifiers: MedGen C0950123, MeSH D030342.

Submissions (2):

Labcorp Genetics (formerly Invitae), Labcorp
Classification: Uncertain significance for Neuronal ceroid lipofuscinosis 11; GRN-related frontotemporal lobar degeneration with Tdp43 inclusions. Last evaluated: 2026-01-15. Review status: criteria provided, single submitter. Criteria: Invitae Variant Classification Sherloc (09022015). Collection method: clinical testing. Allele origin: germline.
Comment: This sequence change affects codon 311 of the GRN mRNA. It is a 'silent' change, meaning that it does not change the encoded amino acid sequence of the GRN protein. This variant also falls at the last nucleotide of exon 9, which is part of the consensus splice site for this exon. This variant is not present in population databases (gnomAD no frequency). This variant has not been reported in the literature in individuals affected with GRN-related conditions. ClinVar contains an entry for this variant (Variation ID: 2397854). Variants that disrupt the consensus splice site are a relatively common cause of aberrant splicing (PMID: 17576681, 9536098). Algorithms developed to predict the effect of sequence changes on RNA splicing suggest that this variant may disrupt the consensus splice site. In summary, the available evidence is currently insufficient to determine the role of this variant in disease. Therefore, it has been classified as a Variant of Uncertain Significance.

Ambry Genetics
Classification: Uncertain significance for Inborn genetic diseases. Last evaluated: 2021-10-09. Review status: criteria provided, single submitter. Criteria: Ambry Variant Classification Scheme 2023. Collection method: clinical testing. Allele origin: germline.
Comment: Occurs in the last base pair of the exon Based on insufficient or conflicting evidence, the clinical significance of this alteration remains unclear.

Literature cited by the submitters: PubMed 17576681 (cited by Labcorp Genetics (formerly Invitae), Labcorp); PubMed 9536098 (cited by Labcorp Genetics (formerly Invitae), Labcorp).

NM_002087.4(GRN):c.933G>A (p.Gln311=)

Gene: GRN (granulin precursor; plus strand). Cytogenetic location: 17q21.31.
Variant type: single nucleotide variant.
Coding change: c.933G>A on transcript NM_002087.4 (MANE Select); coding-DNA position 933, G replaced by A.
Protein change: p.Gln311=; no amino-acid change (glutamine 311 retained).
Molecular consequence: synonymous variant.
Genome position (GRCh38, 1-based): chr17:44,351,460, G>A. VCF-style: chr17-44351460-G-A. GRCh37 (hg19) VCF-style: chr17-42428828-G-A.
Identifiers: ClinVar variation 2397854 (VCV002397854.3), dbSNP rs2510056962, ClinGen allele CA500622292.